The following is an entry in ClinVar:

NM_015202.5(KATNIP):c.4040G>A (p.Arg1347Gln)

Genes: KATNIP (katanin interacting protein; plus strand), LOC126862323 (P300/CBP strongly-dependent group 1 enhancer GRCh37_chr16:27780758-27781957; plus strand). Cytogenetic location: 16p12.1.
Variant type: single nucleotide variant.
Coding change: c.4040G>A on transcript NM_015202.5 (MANE Select); coding-DNA position 4040, G replaced by A.
Protein change: p.Arg1347Gln; replaces arginine 1347 with glutamine.
Molecular consequence: missense variant.
Genome position (GRCh38, 1-based): chr16:27,769,925, G>A. VCF-style: chr16-27769925-G-A. GRCh37 (hg19) VCF-style: chr16-27781246-G-A.
Other names: short protein forms R1347Q.
Identifiers: ClinVar variation 4700712 (VCV004700712.1).

ClinVar aggregate classification (germline): Uncertain significance (1 of 4 stars; one submission).

gnomAD v4.1: 4 of 1,614,092 alleles (0.00025%); highest among the groups gnomAD compares: East Asian, 0.0022%; no homozygotes.

Submission:

Labcorp Genetics (formerly Invitae), Labcorp
Classification: Uncertain significance. Last evaluated: 2025-06-15. Review status: criteria provided, single submitter. Criteria: Invitae Variant Classification Sherloc (09022015). Collection method: clinical testing. Allele origin: germline.
Comment: This sequence change replaces arginine, which is basic and polar, with glutamine, which is neutral and polar, at codon 1347 of the KIAA0556 protein (p.Arg1347Gln). This variant is present in population databases (rs745349724, gnomAD 0.003%). This variant has not been reported in the literature in individuals affected with KIAA0556-related conditions. An algorithm developed to predict the effect of missense changes on protein structure and function (PolyPhen-2) suggests that this variant is likely to be disruptive. In summary, the available evidence is currently insufficient to determine the role of this variant in disease. Therefore, it has been classified as a Variant of Uncertain Significance.